The following is an entry in ClinVar:

NM_206996.4(SPAG17):c.264A>G (p.Ser88=)

Gene: SPAG17 (sperm associated antigen 17; minus strand). Cytogenetic location: 1p12.
Variant type: single nucleotide variant.
Coding change: c.264A>G on transcript NM_206996.4 (MANE Select); coding-DNA position 264, A replaced by G.
Protein change: p.Ser88=; no amino-acid change (serine 88 retained).
Molecular consequence: synonymous variant.
Genome position (GRCh38, 1-based): chr1:118,150,594, T>C on the plus strand (A>G on the coding strand, the complement: SPAG17 is on the minus strand). VCF-style: chr1-118150594-T-C. GRCh37 (hg19) VCF-style: chr1-118693217-T-C.
Identifiers: ClinVar variation 3060345 (VCV003060345.2), dbSNP rs1935992, ClinGen allele CA1034637.

ClinVar aggregate classification (germline): Benign (0 of 4 stars; one submission).

Conditions:
SPAG17-related disorder. Also called: SPAG17-related condition.

Allele frequency attached by ClinVar (database versions not stated): ESP Exome Variant Server 0.16050; gnomAD 0.19371; TOPMed 0.19585; gnomAD exomes 0.21789; 1000 Genomes Project 30x 0.22283; 1000 Genomes Project 0.22704; ExAC 0.24304.
gnomAD v4.1: 337,734 of 1,564,724 alleles (22%); highest among the groups gnomAD compares: East Asian, 44%; 41,348 homozygotes.

Submission:

PreventionGenetics, part of Exact Sciences
Classification: Benign for SPAG17-related condition. Last evaluated: 2019-10-21. Review status: no assertion criteria provided. Collection method: clinical testing. Allele origin: germline.
Comment: This variant is classified as benign based on ACMG/AMP sequence variant interpretation guidelines (Richards et al. 2015 PMID: 25741868, with internal and published modifications).